The following is an entry in ClinVar:

NM_006096.4(NDRG1):c.205+1G>T

Gene: NDRG1 (N-myc downstream regulated 1; minus strand). Cytogenetic location: 8q24.22.
Variant type: single nucleotide variant.
Coding change: c.205+1G>T on transcript NM_006096.4 (MANE Select); the canonical splice donor site of the intron after coding-DNA position 205, G replaced by T.
Molecular consequence: splice donor variant. On other transcripts: intron variant (1).
Genome position (GRCh38, 1-based): chr8:133,264,546, C>A on the plus strand (G>T on the coding strand, the complement: NDRG1 is on the minus strand). VCF-style: chr8-133264546-C-A. GRCh37 (hg19) VCF-style: chr8-134276789-C-A.
Other names: c.7+1G>T (NM_001258432.2, NM_001374847.1); c.-38-2379G>T (NM_001258433.2); c.205+1G>T (NM_001374844.1, NM_001135242.2, NM_001374845.1 and 1 more transcripts).
Identifiers: ClinVar variation 1379001 (VCV001379001.6), dbSNP rs1060503092, ClinGen allele CA372256421.

ClinVar aggregate classification (germline): Pathogenic (1 of 4 stars; one submission).

Conditions:
Charcot-Marie-Tooth disease type 4. Also called: Charcot-Marie-Tooth disease, type IV; Charcot-Marie-Tooth, Type 4. Identifiers: Orphanet 64749, MedGen C4082197, MONDO:0018995.

Submission:

Labcorp Genetics (formerly Invitae), Labcorp
Classification: Pathogenic for Charcot-Marie-Tooth disease type 4. Last evaluated: 2021-10-27. Review status: criteria provided, single submitter. Criteria: Invitae Variant Classification Sherloc (09022015). Collection method: clinical testing. Allele origin: germline.
Comment: Algorithms developed to predict the effect of sequence changes on RNA splicing suggest that this variant may disrupt the consensus splice site. This sequence change affects a donor splice site in intron 4 of the NDRG1 gene. It is expected to disrupt RNA splicing. Variants that disrupt the donor or acceptor splice site typically lead to a loss of protein function (PMID: 16199547), and loss-of-function variants in NDRG1 are known to be pathogenic (PMID: 12872253, 23996628). This variant is not present in population databases (gnomAD no frequency). Disruption of this splice site has been observed in individuals with neuropathy (Invitae). For these reasons, this variant has been classified as Pathogenic.

Literature cited by the submitters: PubMed 16199547; PubMed 12872253; PubMed 23996628.